The following is an entry in ClinVar:

ClinVar aggregate classification (germline): Uncertain significance (1 of 4 stars; one submission).

Conditions:
Acroosteolysis-keloid-like lesions-premature aging syndrome. Also called: Progeroid syndrome, Penttinen type; Premature aging syndrome, Penttinen type; Prematurely aged appearance, delayed bone maturation, acro-osteolysis, and brachydactyly. Identifiers: Orphanet 363665, MedGen C1866182, MONDO:0011150, OMIM 601812.
Skeletal overgrowth-craniofacial dysmorphism-hyperelastic skin-white matter lesions syndrome. Also called: SKELETAL OVERGROWTH WITH FACIAL DYSMORPHISM, HYPERELASTIC SKIN, WHITE MATTER LESIONS, AND NEUROLOGIC DETERIORATION; Kosaki overgrowth syndrome. Identifiers: Orphanet 477831, MedGen C4225270, MONDO:0014704, OMIM 616592.
Basal ganglia calcification, idiopathic, 4 (PFBC4). Also called: PRIMARY FAMILIAL BRAIN CALCIFICATION 4, AUTOSOMAL DOMINANT; Familial Idiopathic Basal Ganglia Calcification 4. Identifiers: Orphanet 1980, MedGen C3554321, MONDO:0014004, OMIM 615007.
Infantile myofibromatosis (IMF). Also called: Congenital generalized fibromatosis. Identifiers: Orphanet 2591, MedGen C0432284, MONDO:0016824.

Allele frequency attached by ClinVar (database versions not stated): gnomAD 0.00001.
gnomAD v4.1: 2 of 1,608,914 alleles (0.00012%); highest among the groups gnomAD compares: East Asian, 0.0022%; no homozygotes.

Submission:

Labcorp Genetics (formerly Invitae), Labcorp
Classification: Uncertain significance for Basal ganglia calcification, idiopathic, 4; Skeletal overgrowth-craniofacial dysmorphism-hyperelastic skin-white matter lesions syndrome; Infantile myofibromatosis; Acroosteolysis-keloid-like lesions-premature aging syndrome. Last evaluated: 2022-07-30. Review status: criteria provided, single submitter. Criteria: Invitae Variant Classification Sherloc (09022015). Collection method: clinical testing. Allele origin: germline.
Comment: ClinVar contains an entry for this variant (Variation ID: 1396032). This sequence change replaces threonine, which is neutral and polar, with methionine, which is neutral and non-polar, at codon 618 of the PDGFRB protein (p.Thr618Met). The frequency data for this variant in the population databases is considered unreliable, as metrics indicate poor data quality at this position in the gnomAD database. This variant has not been reported in the literature in individuals affected with PDGFRB-related conditions. Algorithms developed to predict the effect of missense changes on protein structure and function are either unavailable or do not agree on the potential impact of this missense change (SIFT: "Deleterious"; PolyPhen-2: "Probably Damaging"; Align-GVGD: "Class C0"). In summary, the available evidence is currently insufficient to determine the role of this variant in disease. Therefore, it has been classified as a Variant of Uncertain Significance.

NM_002609.4(PDGFRB):c.1853C>T (p.Thr618Met)

Gene: PDGFRB (platelet derived growth factor receptor beta; minus strand). Cytogenetic location: 5q32.
Variant type: single nucleotide variant.
Coding change: c.1853C>T on transcript NM_002609.4 (MANE Select); coding-DNA position 1853, C replaced by T.
Protein change: p.Thr618Met; replaces threonine 618 with methionine.
Molecular consequence: missense variant.
Genome position (GRCh38, 1-based): chr5:150,124,786, G>A on the plus strand (C>T on the coding strand, the complement: PDGFRB is on the minus strand). VCF-style: chr5-150124786-G-A. GRCh37 (hg19) VCF-style: chr5-149504349-G-A.
Other names: c.1661C>T, p.Thr554Met (NM_001355016.2); c.1370C>T, p.Thr457Met (NM_001355017.2); short protein forms T554M, T457M, T618M.
Identifiers: ClinVar variation 1396032 (VCV001396032.6), dbSNP rs139554380, ClinGen allele CA3507835.
Genomic context (GRCh38, chr5:150,124,786, plus strand): 5'-CATTTAAGCATCTTGACGGCCACTTTCATCGTGGCCTGAGAATGGCTCAGGCCATGAGCC[G>A]TGGCCTCCACCACCTGCCCAAAGGCCCCAGAGCCGAGGGTGCGTCCTGGTGCAGAGATGA-3'
Protein context (NP_002600.1, residues 608-628): SGAFGQVVEA[Thr618Met]AHGLSHSQAT